The following is an entry in ClinVar:

ClinVar aggregate classification (germline): Uncertain significance. Review status: criteria provided, multiple submitters, no conflicts (2 of 4 stars). 2 submissions from 2 submitters: Uncertain significance (2). Last evaluated 2025-07-15.

Conditions:
Inborn genetic diseases. Identifiers: MedGen C0950123, MeSH D030342.

Allele frequency attached by ClinVar (database versions not stated): gnomAD exomes below 0.00001; TOPMed below 0.00001; gnomAD 0.00001.
gnomAD v4.1: 7 of 1,544,114 alleles (0.00045%); highest among the groups gnomAD compares: African/African-American, 0.0014%; no homozygotes.

Submissions (2):

Ambry Genetics
Classification: Uncertain significance for Inborn genetic diseases. Last evaluated: 2025-07-15. Review status: criteria provided, single submitter. Criteria: Ambry Variant Classification Scheme 2023. Collection method: clinical testing. Allele origin: germline.

Greenwood Genetic Center Diagnostic Laboratories, Greenwood Genetic Center
Classification: Uncertain significance. Last evaluated: 2023-04-24. Review status: criteria provided, single submitter. Criteria: ACMG Guidelines, 2015. Collection method: clinical testing. Allele origin: germline. Affected: yes.
Comment: PM2

NM_001042681.2(RERE):c.2669C>T (p.Ala890Val)

Gene: RERE (arginine-glutamic acid dipeptide repeats; minus strand). Cytogenetic location: 1p36.23.
Variant type: single nucleotide variant.
Coding change: c.2669C>T on transcript NM_001042681.2 (MANE Select); coding-DNA position 2669, C replaced by T.
Protein change: p.Ala890Val; replaces alanine 890 with valine.
Molecular consequence: missense variant.
Genome position (GRCh38, 1-based): chr1:8,360,838, G>A on the plus strand (C>T on the coding strand, the complement: RERE is on the minus strand). VCF-style: chr1-8360838-G-A. GRCh37 (hg19) VCF-style: chr1-8420898-G-A.
Other names: c.2669C>T (NM_012102.3); c.1007C>T, p.Ala336Val (NM_001042682.2); c.2669C>T, p.Ala890Val (NM_012102.4); short protein forms A336V, A890V.
Identifiers: ClinVar variation 2572360 (VCV002572360.4), dbSNP rs1641541657, ClinGen allele CA338172144.
Genomic context (GRCh38, chr1:8,360,838, plus strand): 5'-TGGGACTGCAGCGCTGACTGAGAGGCTGGCAGCTGCAGGGAGGTGTGAGGGTACGCTGCT[G>A]CTGGGGAGGTCCCCAGAGGGGCCTGGCCTTGGGAGGCCTGGGGAGGGAGGCCAAAGGGCT-3'
Protein context (NP_001036146.1, residues 880-900): QGQAPLGTSP[Ala890Val]AAYPHTSLQL